The following is an entry in ClinVar:

NM_000444.5:c.1681_1682insAlu

Gene: PHEX (phosphate regulating endopeptidase X-linked; plus strand). Cytogenetic location: Xp22.11.
Variant type: Insertion.
Identifiers: ClinVar variation 870294 (VCV000870294.1).

ClinVar aggregate classification (germline): Pathogenic (1 of 4 stars; one submission).

Submission:

Labcorp Genetics (formerly Invitae), Labcorp
Classification: Pathogenic. Last evaluated: 2019-12-18. Review status: criteria provided, single submitter. Criteria: Invitae Variant Classification Sherloc (09022015). Collection method: clinical testing. Allele origin: germline.
Comment: This sequence change inserts a large fragment of DNA, likely a transposable element, in exon 16 of the PHEX gene (c.1681_1682insAlu), causing a frameshift at codon 560 (p.Phe560fs). The exact size and sequence of the insertion cannot be determined by the current assay. However, the insertion is expected to result in an absent or disrupted protein product. This variant is not present in population databases (ExAC no frequency). This variant has not been reported in the literature in individuals with PHEX-related conditions. Retrotransposon insertions including LINE1 (L1), Alu, and SVA (SINE-VNTR-Alu) have been reported to be disease-causing through disruption of either a coding region or splice site (PMID: 19763152, 20307669, 22406018) and loss-of-function variants in PHEX are known to be pathogenic (PMID: 9097956, 9106524, 19219621). For these reasons, this variant has been classified as Pathogenic.

Literature cited by the submitters: PubMed 20307669; PubMed 9106524; PubMed 22406018; PubMed 19219621; PubMed 19763152; PubMed 9097956.